The following is an entry in ClinVar:

ClinVar aggregate classification (germline): Benign/Likely benign. Review status: criteria provided, multiple submitters, no conflicts (2 of 4 stars). 2 submissions from 2 submitters: Benign (1); Likely benign (1). Last evaluated 2026-06-03.

Conditions:
Hereditary cancer-predisposing syndrome. Also called: Neoplastic Syndromes, Hereditary; Tumor predisposition; Hereditary Cancer Syndrome; Hereditary neoplastic syndrome. Identifiers: Orphanet 140162, MedGen C0027672, MeSH D009386, MONDO:0015356.
Familial cancer of breast. Also called: BREAST CANCER, FAMILIAL; Hereditary breast cancer; hereditary breast carcinoma. Identifiers: Orphanet 227535, MedGen C0346153, MONDO:0016419, OMIM 114480. Disease mechanism: loss of function.

Submissions (2):

Ambry Genetics
Classification: Likely benign for Hereditary cancer-predisposing syndrome. Last evaluated: 2026-06-03. Review status: criteria provided, single submitter. Criteria: Ambry Variant Classification Scheme 2023. Collection method: clinical testing. Allele origin: germline.

Myriad Genetics, Inc.
Classification: Benign for Familial cancer of breast. Last evaluated: 2024-04-26. Review status: criteria provided, single submitter. Criteria: Myriad Autosomal Dominant, Autosomal Recessive and X-Linked Classification Criteria (2023). Collection method: clinical testing. Allele origin: unknown.
Comment: This variant is considered benign. This variant is a silent/synonymous amino acid change and it is not expected to impact splicing.

NM_000051.4(ATM):c.1302A>T (p.Pro434=)

Gene: ATM (ATM serine/threonine kinase; plus strand). Cytogenetic location: 11q22.3.
Variant type: single nucleotide variant.
Coding change: c.1302A>T on transcript NM_000051.4 (MANE Select); coding-DNA position 1302, A replaced by T.
Protein change: p.Pro434=; no amino-acid change (proline 434 retained).
Molecular consequence: synonymous variant.
Genome position (GRCh38, 1-based): chr11:108,250,767, A>T. VCF-style: chr11-108250767-A-T. GRCh37 (hg19) VCF-style: chr11-108121494-A-T.
Other names: c.1302A>T, p.Pro434= (NM_001351834.2).
Identifiers: ClinVar variation 3253848 (VCV003253848.2), dbSNP rs1555070715.
Genomic context (GRCh38, chr11:108,250,767, plus strand): 5'-GATTGCAACCCAATTAATATCAAAGTATCCTGCAAGTTTACCTAACTGTGAGCTGTCTCC[A>T]TTACTGATGATACTATCTCAGCTTCTACCCCAACAGCGACATGGGGAACGTACACCATAT-3'
Protein context (NP_000042.3, residues 424-444): PASLPNCELS[Pro434=]LLMILSQLLP